The following is an entry in ClinVar:

ClinVar aggregate classification (germline): Uncertain significance (1 of 4 stars; one submission).

Allele frequency attached by ClinVar (database versions not stated): gnomAD exomes below 0.00001.
gnomAD v4.1: 2 of 1,607,102 alleles (0.00012%); highest among the groups gnomAD compares: Non-Finnish European, 0.00017%; no homozygotes.

Submission:

Labcorp Genetics (formerly Invitae), Labcorp
Classification: Uncertain significance. Last evaluated: 2024-10-25. Review status: criteria provided, single submitter. Criteria: Invitae Variant Classification Sherloc (09022015). Collection method: clinical testing. Allele origin: germline.
Comment: This sequence change replaces valine, which is neutral and non-polar, with leucine, which is neutral and non-polar, at codon 42 of the CEP78 protein (p.Val42Leu). This variant is not present in population databases (gnomAD no frequency). This variant has not been reported in the literature in individuals affected with CEP78-related conditions. ClinVar contains an entry for this variant (Variation ID: 1461174). Invitae Evidence Modeling of protein sequence and biophysical properties (such as structural, functional, and spatial information, amino acid conservation, physicochemical variation, residue mobility, and thermodynamic stability) indicates that this missense variant is not expected to disrupt CEP78 protein function with a negative predictive value of 80%. In summary, the available evidence is currently insufficient to determine the role of this variant in disease. Therefore, it has been classified as a Variant of Uncertain Significance.

NM_001330691.3(CEP78):c.124G>T (p.Val42Leu)

Gene: CEP78 (centrosomal protein 78; plus strand). Cytogenetic location: 9q21.2.
Variant type: single nucleotide variant.
Coding change: c.124G>T on transcript NM_001330691.3 (MANE Select); coding-DNA position 124, G replaced by T.
Protein change: p.Val42Leu; replaces valine 42 with leucine.
Molecular consequence: missense variant.
Genome position (GRCh38, 1-based): chr9:78,236,474, G>T. VCF-style: chr9-78236474-G-T. GRCh37 (hg19) VCF-style: chr9-80851390-G-T.
Other names: c.124G>T, p.Val42Leu (NM_001098802.3, NM_001330693.3, NM_001330694.2 and 4 more transcripts); short protein forms V42L.
Identifiers: ClinVar variation 1461174 (VCV001461174.8), dbSNP rs1825942388, ClinGen allele CA373999307.